The following is an entry in ClinVar:

ClinVar aggregate classification (germline): Uncertain significance (1 of 4 stars; one submission).

Conditions:
X-linked intellectual disability Cabezas type (MRXSC). Also called: CABEZAS SYNDROME; MENTAL RETARDATION, X-LINKED, SYNDROMIC 15; Intellectual developmental disorder, X-linked syndromic, Cabezas type. Identifiers: Orphanet 85289, Orphanet 85293, MedGen C1845861, MONDO:0010306, OMIM 300354.

Submissions (2):

Labcorp Genetics (formerly Invitae), Labcorp
Classification: Uncertain significance for X-linked intellectual disability Cabezas type. Last evaluated: 2024-11-04. Review status: criteria provided, single submitter. Criteria: Invitae Variant Classification Sherloc (09022015). Collection method: clinical testing. Allele origin: germline.
Comment: This sequence change replaces aspartic acid, which is acidic and polar, with tyrosine, which is neutral and polar, at codon 601 of the CUL4B protein (p.Asp601Tyr). This variant is not present in population databases (gnomAD no frequency). This variant has not been reported in the literature in individuals affected with CUL4B-related conditions. ClinVar contains an entry for this variant (Variation ID: 1715235). Invitae Evidence Modeling of protein sequence and biophysical properties (such as structural, functional, and spatial information, amino acid conservation, physicochemical variation, residue mobility, and thermodynamic stability) indicates that this missense variant is expected to disrupt CUL4B protein function with a positive predictive value of 95%. In summary, the available evidence is currently insufficient to determine the role of this variant in disease. Therefore, it has been classified as a Variant of Uncertain Significance.

Dr. Peter K. Rogan Lab, Western University
No classification provided (evidence only). Condition: Thyroid cancer, nonmedullary, 1. Review status: no classification provided. Collection method: in vitro. Allele origin: not applicable. Functional consequence: retained intron. Not counted in ClinVar's aggregate classification.

NM_001079872.2(CUL4B):c.1747G>T (p.Asp583Tyr)

Gene: CUL4B (cullin 4B; minus strand). Cytogenetic location: Xq24.
Variant type: single nucleotide variant.
Coding change: c.1747G>T on transcript NM_001079872.2 (MANE Select); coding-DNA position 1747, G replaced by T.
Protein change: p.Asp583Tyr; replaces aspartic acid 583 with tyrosine.
Molecular consequence: missense variant.
Genome position (GRCh38, 1-based): chrX:120,538,765, C>A on the plus strand (G>T on the coding strand, the complement: CUL4B is on the minus strand). VCF-style: chrX-120538765-C-A. GRCh37 (hg19) VCF-style: chrX-119672620-C-A.
Other names: c.1762G>T, p.Asp588Tyr (NM_001330624.2); c.1213G>T, p.Asp405Tyr (NM_001369145.1); c.1801G>T, p.Asp601Tyr (NM_003588.4); short protein forms D405Y, D583Y, D588Y, D601Y.
Identifiers: ClinVar variation 1715235 (VCV001715235.7), dbSNP rs2521090323, ClinGen allele CA414195641.